The following is an entry in ClinVar:

ClinVar aggregate classification (germline): Uncertain significance. Review status: criteria provided, single submitter (1 of 4 stars). 5 submissions from 5 submitters: Uncertain significance (1). 4 of the submissions do not count toward it. Last evaluated 2024-01-17.

Conditions:
Cardiovascular phenotype. Identifiers: MedGen CN230736.

gnomAD v4.1: 16 of 1,614,040 alleles (0.00099%); highest among the groups gnomAD compares: Non-Finnish European, 0.0014%; no homozygotes.

Submissions (5):

Ambry Genetics
Classification: Uncertain significance for Cardiovascular phenotype. Last evaluated: 2024-01-17. Review status: criteria provided, single submitter. Criteria: Ambry Variant Classification Scheme 2023. Collection method: clinical testing. Allele origin: germline.
Comment: The c.2292+1G>T intronic variant results from a G to T substitution one nucleotide after coding exon 17 of the MYH6 gene. This nucleotide position is highly conserved in available vertebrate species. In silico splice site analysis predicts that this alteration will weaken the native splice donor site and will result in the creation or strengthening of a novel splice donor site. Alterations that disrupt the canonical splice site are expected to cause aberrant splicing, resulting in an abnormal protein or a transcript that is subject to nonsense-mediated mRNA decay. However, loss of function of MYH6 has not been established as a mechanism of disease. Since supporting evidence is limited at this time, the clinical significance of this alteration remains unclear.

Clinical Genetics, Academic Medical Center
Classification: Uncertain significance. Review status: no assertion criteria provided. Collection method: clinical testing. Allele origin: germline. Affected: yes. Study: VKGL Data-share Consensus. Not counted in ClinVar's aggregate classification.

Diagnostic Laboratory, Department of Genetics, University Medical Center Groningen
Classification: Uncertain significance. Review status: no assertion criteria provided. Collection method: clinical testing. Allele origin: germline. Affected: yes. Study: VKGL Data-share Consensus. Not counted in ClinVar's aggregate classification.

Genome Diagnostics Laboratory, University Medical Center Utrecht
Classification: Uncertain significance. Review status: no assertion criteria provided. Collection method: clinical testing. Allele origin: germline. Affected: yes. Study: VKGL Data-share Consensus. Not counted in ClinVar's aggregate classification.

Joint Genome Diagnostic Labs from Nijmegen and Maastricht, Radboudumc and MUMC+
Classification: Uncertain significance. Review status: no assertion criteria provided. Collection method: clinical testing. Allele origin: germline. Affected: yes. Study: VKGL Data-share Consensus. Not counted in ClinVar's aggregate classification.

NM_002471.4(MYH6):c.2292+1G>T

Gene: MYH6 (myosin heavy chain 6; minus strand). Cytogenetic location: 14q11.2.
Variant type: single nucleotide variant.
Coding change: c.2292+1G>T on transcript NM_002471.4 (MANE Select); the canonical splice donor site of the intron after coding-DNA position 2292, G replaced by T.
Molecular consequence: splice donor variant.
Genome position (GRCh38, 1-based): chr14:23,396,693, C>A on the plus strand (G>T on the coding strand, the complement: MYH6 is on the minus strand). VCF-style: chr14-23396693-C-A. GRCh37 (hg19) VCF-style: chr14-23865902-C-A.
Other names: c.2292+1G>T (NM_002471.3).
Identifiers: ClinVar variation 1174795 (VCV001174795.8), dbSNP rs771569935, ClinGen allele CA389016647.